The following is an entry in ClinVar:

ClinVar aggregate classification (germline): Uncertain significance (1 of 4 stars; one submission).

Conditions:
Hypertrophic cardiomyopathy. Also called: HYPERTROPHIC MYOCARDIOPATHY. Identifiers: Orphanet 217569, MedGen C0007194, MeSH D002312, MONDO:0005045, HP:0001639.

gnomAD v4.1: 1 of 1,535,456 alleles (0.000065%); highest among the groups gnomAD compares: Non-Finnish European, 0.000087%; no homozygotes.

Submission:

Labcorp Genetics (formerly Invitae), Labcorp
Classification: Uncertain significance for Hypertrophic cardiomyopathy. Last evaluated: 2024-03-28. Review status: criteria provided, single submitter. Criteria: Invitae Variant Classification Sherloc (09022015). Collection method: clinical testing. Allele origin: germline.
Comment: This sequence change replaces serine, which is neutral and polar, with asparagine, which is neutral and polar, at codon 171 of the JPH2 protein (p.Ser171Asn). This variant is not present in population databases (gnomAD no frequency). This variant has not been reported in the literature in individuals affected with JPH2-related conditions. An algorithm developed to predict the effect of missense changes on protein structure and function (PolyPhen-2) suggests that this variant is likely to be disruptive. In summary, the available evidence is currently insufficient to determine the role of this variant in disease. Therefore, it has been classified as a Variant of Uncertain Significance.

NM_020433.5(JPH2):c.512G>A (p.Ser171Asn)

Gene: JPH2 (junctophilin 2; minus strand). Cytogenetic location: 20q13.12.
Variant type: single nucleotide variant.
Coding change: c.512G>A on transcript NM_020433.5 (MANE Select); coding-DNA position 512, G replaced by A.
Protein change: p.Ser171Asn; replaces serine 171 with asparagine.
Molecular consequence: missense variant.
Genome position (GRCh38, 1-based): chr20:44,160,275, C>T on the plus strand (G>A on the coding strand, the complement: JPH2 is on the minus strand). VCF-style: chr20-44160275-C-T. GRCh37 (hg19) VCF-style: chr20-42788915-C-T.
Other names: short protein forms S171N.
Identifiers: ClinVar variation 3688028 (VCV003688028.2).